The following is an entry in ClinVar:

ClinVar aggregate classification (germline): Pathogenic. Review status: criteria provided, multiple submitters, no conflicts (2 of 4 stars). 21 submissions from 21 submitters: Pathogenic (19). 2 of the submissions do not count toward it. Last evaluated 2026-05-08.

Conditions:
Cystic renal disease.
PKD2-related disorder. Also called: PKD2-related condition.
Autosomal dominant polycystic kidney disease. Identifiers: Orphanet 730, MedGen C0085413, MONDO:0004691.
Polycystic kidney disease 2 (PKD2). Also called: Polycystic Kidney Disease 2, Autosomal Dominant; POLYCYSTIC KIDNEY DISEASE, ADULT, TYPE II; POLYCYSTIC KIDNEY DISEASE 2 WITH OR WITHOUT POLYCYSTIC LIVER DISEASE. Identifiers: MedGen C2751306, MONDO:0013131, OMIM 613095.
Polycystic kidney disease. Also called: Polycystic kidney dysplasia; Kidney, Polycystic. Identifiers: MedGen C0022680, MeSH D007690, MONDO:0020642, HP:0000113.

Allele frequency attached by ClinVar (database versions not stated): gnomAD exomes below 0.00001.
gnomAD v4.1: 6 of 1,613,598 alleles (0.00037%); highest among the groups gnomAD compares: Non-Finnish European, 0.00051%; no homozygotes.

Submissions 1 to 18 of 21:

Victorian Clinical Genetics Services, Murdoch Childrens Research Institute
Classification: Pathogenic for Polycystic kidney disease 2. Last evaluated: 2026-05-08. Review status: criteria provided, single submitter. Criteria: ACMG Guidelines, 2015. Collection method: clinical testing. Allele origin: germline. Affected: yes.
Comment: This variant is classified as Pathogenic. Evidence in support of pathogenic classification: Variant is predicted to cause nonsense-mediated decay (NMD) and loss of protein (premature termination codon is located at least 54 nucleotides upstream of the final exon-exon junction); Variant is present in gnomAD <0.001 for a dominant condition (v4: 6 heterozygote(s), 0 homozygote(s)); This variant has strong previous evidence of pathogenicity in unrelated individuals. This variant has been classified as pathogenic multiple times by clinical laboratories in ClinVar; Other NMD-predicted variant(s) comparable to the one identified in this case have very strong previous evidence for pathogenicity (DECIPHER). Additional information: This variant is heterozygous; This gene is associated with autosomal dominant disease; Loss of function is a known mechanism of disease in this gene and is associated with polycystic kidney disease 2 (MIM#613095); Inheritance information for this variant is not currently available in this individual.

Genetics Laboratory, Great Ormond Street Hospital NHS Foundation Trust, North Thames Genomic Laboratory Hub
Classification: Pathogenic for Cystic renal disease. Last evaluated: 2026-02-18. Review status: criteria provided, single submitter. Criteria: ACGS Best Practice Guidelines for Variant Classification in Rare Disease 2024 v1.2. Collection method: clinical testing. Allele origin: germline. Affected: yes.
Comment: PS4_moderate, PM2_moderate, PVS1_very-strong

Labcorp Genetics (formerly Invitae), Labcorp
Classification: Pathogenic for Autosomal dominant polycystic kidney disease. Last evaluated: 2026-01-16. Review status: criteria provided, single submitter. Criteria: Invitae Variant Classification Sherloc (09022015). Collection method: clinical testing. Allele origin: germline.
Comment: This sequence change creates a premature translational stop signal (p.Arg306*) in the PKD2 gene. It is expected to result in an absent or disrupted protein product. Loss-of-function variants in PKD2 are known to be pathogenic (PMID: 17582161, 22863349). This variant is present in population databases (no rsID available, gnomAD 0.0009%). This premature translational stop signal has been observed in individual(s) with polycystic kidney disease (PMID: 9326320, 29529603). ClinVar contains an entry for this variant (Variation ID: 397507). For these reasons, this variant has been classified as Pathogenic.

Clinical Genetics Laboratory, Skane University Hospital Lund
Classification: Pathogenic for Polycystic kidney disease 2. Last evaluated: 2025-09-03. Review status: criteria provided, single submitter. Criteria: ACMG Guidelines, 2015. Collection method: clinical testing. Allele origin: germline. Inheritance: Autosomal dominant inheritance. Affected: yes.
Comment: ACMG criteria: PVS1, PS4 and PM2

Blueprint Genetics
Classification: Pathogenic for PKD2-related disorders. Last evaluated: 2024-11-15. Review status: criteria provided, single submitter. Criteria: ACMG Guidelines, 2015. Collection method: clinical testing. Allele origin: germline. Affected: yes. Observed: 5 variant alleles.

Fulgent Genetics
Classification: Pathogenic for Polycystic kidney disease 2. Last evaluated: 2023-12-28. Review status: criteria provided, single submitter. Criteria: ACMG Guidelines, 2015. Collection method: clinical testing. Allele origin: germline.

3billion
Classification: Pathogenic for Polycystic kidney disease 2. Last evaluated: 2023-10-30. Review status: criteria provided, single submitter. Criteria: ACMG Guidelines, 2015. Collection method: clinical testing. Allele origin: germline. Affected: yes.
Comment: The variant is observed at an extremely low frequency in the gnomAD v2.1.1 dataset (total allele frequency: <0.001%). Predicted Consequence/Location: Stop-gained (nonsense): predicted to result in a loss or disruption of normal protein function through nonsense-mediated decay (NMD) or protein truncation. Multiple pathogenic variants are reported downstream of the variant. The variant has been reported at least twice as pathogenic with clinical assertions and evidence for the classification (ClinVar ID: VCV000397507 /PMID: 9326320). Therefore, this variant is classified as Pathogenic according to the recommendation of ACMG/AMP guideline.

Mayo Clinic Laboratories, Mayo Clinic
Classification: Pathogenic. Last evaluated: 2023-02-07. Review status: criteria provided, single submitter. Criteria: ACMG Guidelines, 2015. Collection method: clinical testing. Allele origin: germline. Observed: 1 variant allele.
Comment: PP1, PM2_supporting, PS4_moderate, PVS1

Institute of Immunology and Genetics Kaiserslautern
Classification: Pathogenic for Polycystic kidney disease 2. Last evaluated: 2023-01-03. Review status: criteria provided, single submitter. Criteria: ACMG Guidelines, 2015. Collection method: clinical testing. Allele origin: germline. Affected: yes.
Comment: ACMG Criteria: PVS1, PM2, PP5; Variant was found in heterozygous state.

GeneDx
Classification: Pathogenic. Last evaluated: 2021-12-02. Review status: criteria provided, single submitter. Criteria: GeneDx Variant Classification Process June 2021. Collection method: clinical testing. Allele origin: germline. Affected: yes.
Comment: Nonsense variant predicted to result in protein truncation or nonsense mediated decay in a gene for which loss-of-function is a known mechanism of disease; Not observed at significant frequency in large population cohorts (gnomAD); This variant is associated with the following publications: (PMID: 25525159, 24113780, 31589614, 33532864, 29633482, 31740684, 9326320, 29529603, 33437033, 16430766, 14993477, 23300259, 32970388, 18837007, 11968093, 24374109, 10760080)

Athena Diagnostics
Classification: Pathogenic. Last evaluated: 2021-06-30. Review status: criteria provided, single submitter. Criteria: Athena Diagnostics Criteria. Collection method: clinical testing. Allele origin: unknown.
Comment: This variant is expected to result in the loss of a functional protein. The frequency of this variant in the general population is consistent with pathogenicity. This variant has been identified in multiple unrelated individuals with clinical features associated with this gene.

Center for Human Genetics and Genomic Medicine, Uniklinik Rwth Aachen
Classification: Pathogenic for Polycystic kidney disease 2. Last evaluated: 2021-06-17. Review status: criteria provided, single submitter. Criteria: ACMG Guidelines, 2015. Collection method: clinical testing. Allele origin: unknown. Inheritance: Autosomal dominant inheritance. Affected: yes. Observed: 1 variant allele, 1 heterozygote.
Comment: The change is listed in the dbSNP database (dbSNP151, as of June 17, 2021) with the rs number rs200001068. In gnomAD it is reported with a frequency of 0.0003981% (1/251172) (as of June 17, 2021). The variant is mentioned as pathogenic both in ClinVar (including RCV000449565.3) and in the renowned PKD mutation database (as of June 17, 2021). The variant has been described several times in the literature in patients with ADPKD (including AudrÃ©zet et al., 2012). In the case of stop or nonsense variants in a gene that matches the phenotype, there is also a high probability of pathogenic relevance. At this point in time, the variant is to be regarded as a "pathogenic variant" (ACMG criteria).

Molecular Biology Laboratory, Fundació Puigvert
Classification: Pathogenic for Polycystic kidney disease 2. Last evaluated: 2020-02-01. Review status: criteria provided, single submitter. Criteria: ACMG Guidelines, 2015. Collection method: research. Allele origin: paternal. Affected: yes. Study: KidneyPanel_2020.

Molecular Genetics of Inherited Kidney Disorders Laboratory, Garvan Institute of Medical Research
Classification: Pathogenic. Last evaluated: 2019-01-01. Review status: criteria provided, single submitter. Criteria: ACMG Guidelines, 2015. Collection method: clinical testing. Allele origin: germline. Affected: yes.

Gharavi Laboratory, Columbia University
Classification: Pathogenic. Last evaluated: 2018-09-16. Review status: criteria provided, single submitter. Criteria: ACMG Guidelines, 2015. Collection method: research. Allele origin: germline. Affected: yes.

Center of Genomic medicine, Geneva, University Hospital of Geneva
Classification: Pathogenic for Polycystic kidney disease 2. Last evaluated: 2016-07-12. Review status: criteria provided, single submitter. Criteria: ACMG Guidelines, 2015. Collection method: clinical testing. Allele origin: germline. Affected: yes.

Centre for Mendelian Genomics, University Medical Centre Ljubljana
Classification: Pathogenic for Polycystic kidney disease 2. Last evaluated: 2016-01-01. Review status: criteria provided, single submitter. Criteria: ACMG Guidelines, 2015. Collection method: clinical testing. Allele origin: unknown. Affected: yes.
Comment: This variant was classified as: Pathogenic. The following ACMG criteria were applied in classifying this variant: PVS1,PS1,PP3.

Clinical Genetics Service, Universitary Hospital 12 de Octubre
Classification: Pathogenic for Polycystic kidney disease 2. Review status: criteria provided, single submitter. Criteria: ACMG Guidelines, 2015. Collection method: clinical testing. Allele origin: germline. Affected: yes.

NM_000297.4(PKD2):c.916C>T (p.Arg306Ter)

Gene: PKD2 (polycystin 2, transient receptor potential cation channel; plus strand). Cytogenetic location: 4q22.1.
Variant type: single nucleotide variant.
Coding change: c.916C>T on transcript NM_000297.4 (MANE Select); coding-DNA position 916, C replaced by T.
Protein change: p.Arg306Ter; replaces arginine 306 with a stop codon.
Molecular consequence: nonsense. On other transcripts: non-coding transcript variant (1).
Genome position (GRCh38, 1-based): chr4:88,038,323, C>T. VCF-style: chr4-88038323-C-T. GRCh37 (hg19) VCF-style: chr4-88959475-C-T.
Other names: short protein forms R306*.
Identifiers: ClinVar variation 397507 (VCV000397507.34), dbSNP rs200001068, ClinGen allele CA16609391.
Genomic context (GRCh38, chr4:88,038,323, plus strand): 5'-TCCTTATTGGATGGGCTGTACTGGAAGATGCAGCCCAGCAACCAGACTGAAGCTGACAAC[C>T]GAAGTTTCATCTTCTATGAGAACCTGCTGTTAGGGGTTCCACGAATACGGCAACTCCGAG-3'